The following is an entry in ClinVar:

ClinVar aggregate classification (germline): Uncertain significance (1 of 4 stars; one submission).

Conditions:
APC-related disorder. Also called: APC-related condition.

Allele frequency attached by ClinVar (database versions not stated): gnomAD exomes below 0.00001; TOPMed below 0.00001; gnomAD 0.00001.
gnomAD v4.1: 3 of 985,586 alleles (0.0003%); highest among the groups gnomAD compares: South Asian, 0.0094%; no homozygotes.

Submission:

PreventionGenetics, part of Exact Sciences
Classification: Uncertain significance for APC-related condition. Last evaluated: 2023-03-28. Review status: criteria provided, single submitter. Criteria: ACMG Guidelines, 2015. Collection method: clinical testing. Allele origin: germline.
Comment: The APC c.5C>T variant is predicted to result in the amino acid substitution p.Ala2Val. To our knowledge, this variant has not been reported in the literature. This variant is reported in 1 of ~31,000 alleles in gnomAD. At this time, the clinical significance of this variant is uncertain due to the absence of conclusive functional and genetic evidence.

NM_000038.6(APC):c.-19+480C>T

Gene: APC (APC regulator of WNT signaling pathway; plus strand). Cytogenetic location: 5q22.2.
Variant type: single nucleotide variant.
Coding change: c.-19+480C>T on transcript NM_000038.6 (MANE Select); 480 bases into the intron after 19 bases upstream of the start codon, C replaced by T.
Molecular consequence: intron variant. On other transcripts: 5 prime UTR variant (4), missense variant (3).
Genome position (GRCh38, 1-based): chr5:112,738,405, C>T. VCF-style: chr5-112738405-C-T. GRCh37 (hg19) VCF-style: chr5-112074102-C-T.
Other names: c.-19+480C>T (NM_001354896.2, NM_001407454.1, NM_001354903.2 and 2 more transcripts); c.-43+480C>T (NM_001354900.2, NM_001354901.2, NM_001354905.2); c.-74C>T (NM_001127510.3, NM_001407449.1, NM_001407455.1 and 1 more transcripts); c.5C>T, p.Ala2Val (NM_001354898.2, NM_001354904.2, NM_001407451.1); c.-1053-16468C>T (NM_001407470.1, NM_001407472.1); c.-18-16468C>T (NM_001407447.1, NM_001354895.2, NM_001407456.1 and 7 more transcripts); c.166-27921C>T (NM_001407446.1, NM_001354897.2, NM_001354902.2 and 1 more transcripts); c.-42-27921C>T (NM_001407453.1); and 1 more; short protein forms A2V.
Identifiers: ClinVar variation 2634274 (VCV002634274.1), dbSNP rs1175426842, ClinGen allele CA561896036.
Genomic context (GRCh38, chr5:112,738,405, plus strand): 5'-GCGACAAGGACACATGCATTGGTGGCCAAAAGAGAGAGGAGACAAAACCGCTGCAGATGG[C>T]TGATGTGAATCTAGTGGAAAGAGCTACTGGGGATGAGAGAAAGAGGAGGAGGCAGGTACT-3'